The following is an entry in ClinVar:

NM_000548.5(TSC2):c.4323del (p.Glu1442fs)

Gene: TSC2 (TSC complex subunit 2; plus strand). Cytogenetic location: 16p13.3.
Variant type: Deletion.
Coding change: c.4323del on transcript NM_000548.5 (MANE Select); coding-DNA position 4323, one base deleted (C; older notation c.4323delC).
Protein change: p.Glu1442fs; shifts the reading frame from glutamic acid 1442.
Molecular consequence: frameshift variant.
Genome position (GRCh38, 1-based): chr16:2,084,545, C deleted; the last of 3 consecutive C bases (chr16:2,084,543-2,084,545); deleting any one gives the same sequence. VCF-style (leftmost placement, unchanged base first): chr16-2084542-GC-G. GRCh37 (hg19) VCF-style: chr16-2134543-GC-G.
Other names: c.4122del, p.Glu1375fs (NM_001077183.3); c.4254del, p.Glu1419fs (NM_001114382.3); c.4014del, p.Glu1339fs (NM_001318827.2); c.3978del, p.Glu1327fs (NM_001318829.2); c.3591del, p.Glu1198fs (NM_001318831.2); c.4155del, p.Glu1386fs (NM_001318832.2); c.4125del, p.Glu1376fs (NM_001363528.2); c.4191del, p.Glu1398fs (NM_001370404.1); and 1 more; short protein forms E1339fs, E1386fs, E1398fs, E1419fs, E1327fs, E1198fs, E1399fs, E1375fs.
Identifiers: ClinVar variation 1444646 (VCV001444646.6), dbSNP rs137854327, ClinGen allele CA2573151646.

ClinVar aggregate classification (germline): Pathogenic (1 of 4 stars; one submission).

Conditions:
Tuberous sclerosis 2 (TSC2). Identifiers: Orphanet 805, MedGen C1860707, MONDO:0013199, OMIM 613254.

Submission:

Labcorp Genetics (formerly Invitae), Labcorp
Classification: Pathogenic for Tuberous sclerosis 2. Last evaluated: 2021-08-12. Review status: criteria provided, single submitter. Criteria: Invitae Variant Classification Sherloc (09022015). Collection method: clinical testing. Allele origin: germline.
Comment: This sequence change creates a premature translational stop signal (p.Glu1442Argfs*34) in the TSC2 gene. It is expected to result in an absent or disrupted protein product. Loss-of-function variants in TSC2 are known to be pathogenic (PMID: 10205261, 17304050). This variant is not present in population databases (ExAC no frequency). This variant has not been reported in the literature in individuals affected with TSC2-related conditions. For these reasons, this variant has been classified as Pathogenic.

Literature cited by the submitters: PubMed 10205261; PubMed 17304050.